The following is an entry in ClinVar:

NM_001384732.1(CPLANE1):c.5381C>T (p.Pro1794Leu)

Gene: CPLANE1 (ciliogenesis and planar polarity effector complex subunit 1; minus strand). Cytogenetic location: 5p13.2.
Variant type: single nucleotide variant.
Coding change: c.5381C>T on transcript NM_001384732.1 (MANE Select); coding-DNA position 5381, C replaced by T.
Protein change: p.Pro1794Leu; replaces proline 1794 with leucine.
Molecular consequence: missense variant.
Genome position (GRCh38, 1-based): chr5:37,182,800, G>A on the plus strand (C>T on the coding strand, the complement: CPLANE1 is on the minus strand). VCF-style: chr5-37182800-G-A. GRCh37 (hg19) VCF-style: chr5-37182902-G-A.
Other names: c.5381C>T, p.Pro1794Leu (NM_023073.4); short protein forms P1794L.
Identifiers: ClinVar variation 158040 (VCV000158040.23), dbSNP rs75589774, ClinGen allele CA171445.

ClinVar aggregate classification (germline): Benign. Review status: criteria provided, multiple submitters, no conflicts (2 of 4 stars). 11 submissions from 11 submitters: Benign (9). 2 of the submissions do not count toward it. Last evaluated 2026-03-30.

Conditions:
Joubert syndrome 17 (JBTS17). Identifiers: Orphanet 475, MedGen C3553264, MONDO:0013824, OMIM 614615.

Allele frequency attached by ClinVar (database versions not stated): 1000 Genomes Project 0.09485; 1000 Genomes Project 30x 0.09697; ESP Exome Variant Server 0.10042; TOPMed 0.10252; gnomAD 0.10422; ExAC 0.11088; gnomAD exomes 0.11120.
gnomAD v4.1: 164,959 of 1,612,254 alleles (10%); highest among the groups gnomAD compares: Admixed American, 15%; 8,822 homozygotes.

Submissions (11):

Women's Health and Genetics/Laboratory Corporation of America, LabCorp
Classification: Benign. Last evaluated: 2026-03-30. Review status: criteria provided, single submitter. Criteria: LabCorp Variant Classification Summary - May 2015. Collection method: clinical testing. Allele origin: germline.
Comment: Variant summary: CPLANE1 c.5381C>T (p.Pro1794Leu) results in a non-conservative amino acid change in the encoded protein sequence. Algorithms developed to predict the effect of missense changes on protein structure and function are either unavailable or do not agree on the potential impact of this missense change. The variant allele was found at a frequency of 0.11 in 281420 control chromosomes in the gnomAD database, including 1810 homozygotes. The observed variant frequency exceeds the estimated maximal expected allele frequency for disease-causing variants in CPLANE1. To our knowledge, no occurrence of c.5381C>T in individuals affected with CPLANE1-related conditions and no experimental evidence demonstrating its impact on protein function have been reported. ClinVar contains an entry for this variant (Variation ID: 158040). Based on the evidence outlined above, the variant was classified as benign.

Labcorp Genetics (formerly Invitae), Labcorp
Classification: Benign. Last evaluated: 2026-02-04. Review status: criteria provided, single submitter. Criteria: Invitae Variant Classification Sherloc (09022015). Collection method: clinical testing. Allele origin: germline.

Blueprint Genetics
Classification: Benign. Last evaluated: 2024-11-26. Review status: criteria provided, single submitter. Criteria: ACMG Guidelines, 2015. Collection method: clinical testing. Allele origin: germline.

Mayo Clinic Laboratories, Mayo Clinic
Classification: Benign. Last evaluated: 2023-02-15. Review status: criteria provided, single submitter. Criteria: ACMG Guidelines, 2015. Collection method: clinical testing. Allele origin: germline. Observed: 9 variant alleles.
Comment: BA1, BS2, BP4

Illumina Laboratory Services, Illumina
Classification: Benign for Joubert syndrome 17. Last evaluated: 2018-03-06. Review status: criteria provided, single submitter. Criteria: ICSL Variant Classification Criteria 13 December 2019. Collection method: clinical testing. Allele origin: germline.
Comment: This variant was observed in the ICSL laboratory as part of a predisposition screen in an ostensibly healthy population. It had not been previously curated by ICSL or reported in the Human Gene Mutation Database (HGMD: prior to June 1st, 2018), and was therefore a candidate for classification through an automated scoring system. Utilizing variant allele frequency, disease prevalence and penetrance estimates, and inheritance mode, an automated score was calculated to assess if this variant is too frequent to cause the disease. Based on the score and internal cut-off values, a variant classified as benign is not then subjected to further curation. The score for this variant resulted in a classification of benign for this disease.

GeneDx
Classification: Benign. Last evaluated: 2016-03-14. Review status: criteria provided, single submitter. Criteria: GeneDx Variant Classification (06012015). Collection method: clinical testing. Allele origin: germline. Affected: yes.
Comment: This variant is considered likely benign or benign based on one or more of the following criteria: it is a conservative change, it occurs at a poorly conserved position in the protein, it is predicted to be benign by multiple in silico algorithms, and/or has population frequency not consistent with disease.

Clinical Genetics DNA and cytogenetics Diagnostics Lab, Erasmus MC, Erasmus Medical Center
Classification: Benign for Joubert syndrome 17. Last evaluated: 2015-09-21. Review status: criteria provided, single submitter. Criteria: ACGS Guidelines, 2013. Collection method: clinical testing. Allele origin: germline. Affected: yes. Study: VKGL Data-share Consensus.

Breakthrough Genomics
Classification: Benign. Review status: criteria provided, single submitter. Criteria: ACMG Guidelines, 2015. Collection method: not provided. Allele origin: germline. Inheritance: Autosomal recessive inheritance. Affected: yes.

PreventionGenetics, part of Exact Sciences
Classification: Benign. Review status: criteria provided, single submitter. Criteria: ACMG Guidelines, 2015. Collection method: clinical testing. Allele origin: germline.

Diagnostic Laboratory, Department of Genetics, University Medical Center Groningen
Classification: Benign for Joubert syndrome 17. Review status: no assertion criteria provided. Collection method: clinical testing. Allele origin: germline. Affected: yes. Study: VKGL Data-share Consensus. Not counted in ClinVar's aggregate classification.

Genetic Services Laboratory, University of Chicago
Classification: Likely benign. Review status: no assertion criteria provided. Collection method: clinical testing. Allele origin: germline. Inheritance: Autosomal recessive inheritance. Not counted in ClinVar's aggregate classification.
Comment: Likely benign based on allele frequency in 1000 Genomes Project or ESP global frequency and its presence in a patient with a rare or unrelated disease phenotype. NOT Sanger confirmed

Literature cited by the submitters: PubMed 22264561 (cited by Mayo Clinic Laboratories, Mayo Clinic).